The following is an entry in ClinVar:

ClinVar aggregate classification (germline): Uncertain significance. Review status: criteria provided, multiple submitters, no conflicts (2 of 4 stars). 3 submissions from 3 submitters: Uncertain significance (3). Last evaluated 2026-01-27.

Conditions:
Cardiovascular phenotype. Identifiers: MedGen CN230736.
Noonan syndrome 9 (NS9). Identifiers: Orphanet 648, MedGen C4225282, MONDO:0014691, OMIM 616559.

Allele frequency attached by ClinVar (database versions not stated): gnomAD exomes 0.00002; TOPMed 0.00002; ExAC 0.00003; gnomAD 0.00003 and 0.00004.
gnomAD v4.1: 62 of 1,613,024 alleles (0.0038%); highest among the groups gnomAD compares: Non-Finnish European, 0.0051%; no homozygotes.

Submissions (3):

Labcorp Genetics (formerly Invitae), Labcorp
Classification: Uncertain significance for Noonan syndrome 9. Last evaluated: 2026-01-27. Review status: criteria provided, single submitter. Criteria: Invitae Variant Classification Sherloc (09022015). Collection method: clinical testing. Allele origin: germline.
Comment: This sequence change replaces cysteine, which is neutral and slightly polar, with tyrosine, which is neutral and polar, at codon 1112 of the SOS2 protein (p.Cys1112Tyr). This variant is present in population databases (rs756103351, gnomAD 0.007%). This variant has not been reported in the literature in individuals affected with SOS2-related conditions. ClinVar contains an entry for this variant (Variation ID: 1348897). Invitae Evidence Modeling of protein sequence and biophysical properties (such as structural, functional, and spatial information, amino acid conservation, physicochemical variation, residue mobility, and thermodynamic stability) indicates that this missense variant is not expected to disrupt SOS2 protein function with a negative predictive value of 95%. In summary, the available evidence is currently insufficient to determine the role of this variant in disease. Therefore, it has been classified as a Variant of Uncertain Significance.

Ambry Genetics
Classification: Uncertain significance for Cardiovascular phenotype. Last evaluated: 2024-08-25. Review status: criteria provided, single submitter. Criteria: Ambry Variant Classification Scheme 2023. Collection method: clinical testing. Allele origin: germline.
Comment: The p.C1112Y variant (also known as c.3335G>A), located in coding exon 20 of the SOS2 gene, results from a G to A substitution at nucleotide position 3335. The cysteine at codon 1112 is replaced by tyrosine, an amino acid with highly dissimilar properties. This amino acid position is conserved. In addition, this alteration is predicted to be tolerated by in silico analysis. Since supporting evidence is limited at this time, the clinical significance of this alteration remains unclear.

Genome-Nilou Lab
Classification: Uncertain significance for Noonan syndrome 9. Review status: criteria provided, single submitter. Criteria: ACMG Guidelines, 2015. Collection method: clinical testing. Allele origin: germline.

NM_006939.4(SOS2):c.3335G>A (p.Cys1112Tyr)

Gene: SOS2 (SOS Ras/Rho guanine nucleotide exchange factor 2; minus strand). Cytogenetic location: 14q21.3.
Variant type: single nucleotide variant.
Coding change: c.3335G>A on transcript NM_006939.4 (MANE Select); coding-DNA position 3335, G replaced by A.
Protein change: p.Cys1112Tyr; replaces cysteine 1112 with tyrosine.
Molecular consequence: missense variant.
Genome position (GRCh38, 1-based): chr14:50,130,503, C>T on the plus strand (G>A on the coding strand, the complement: SOS2 is on the minus strand). VCF-style: chr14-50130503-C-T. GRCh37 (hg19) VCF-style: chr14-50597221-C-T.
Other names: short protein forms C1112Y.
Identifiers: ClinVar variation 1348897 (VCV001348897.10), dbSNP rs756103351, ClinGen allele CA7176841.
Genomic context (GRCh38, chr14:50,130,503, plus strand): 5'-AGAATTATCTGAGACACAGGATTCCTTTTTTACCAAGCGGTTTACATCAAATACTTACCA[C>T]AGGAGCTGTTGAGATCCACATCTAAAAATACACTAAGGTCTGAAGAAGCAGATACTGGTG-3'
Protein context (NP_008870.2, residues 1102-1122): VFLDVDLNSS[Cys1112Tyr]GSNSIFAPVL